The following is an entry in ClinVar:

NM_032638.5(GATA2):c.788G>C (p.Gly263Ala)

Gene: GATA2 (GATA binding protein 2; minus strand). Cytogenetic location: 3q21.3.
Variant type: single nucleotide variant.
Coding change: c.788G>C on transcript NM_032638.5 (MANE Select); coding-DNA position 788, G replaced by C.
Protein change: p.Gly263Ala; replaces glycine 263 with alanine.
Molecular consequence: missense variant.
Genome position (GRCh38, 1-based): chr3:128,485,810, C>G on the plus strand (G>C on the coding strand, the complement: GATA2 is on the minus strand). VCF-style: chr3-128485810-C-G. GRCh37 (hg19) VCF-style: chr3-128204653-C-G.
Other names: c.788G>C, p.Gly263Ala (NM_001145661.2, NM_001145662.1); short protein forms G263A.
Identifiers: ClinVar variation 846694 (VCV000846694.10), dbSNP rs1330387746, ClinGen allele CA354405911.

ClinVar aggregate classification (germline): Uncertain significance. Review status: criteria provided, multiple submitters, no conflicts (2 of 4 stars). 2 submissions from 2 submitters: Uncertain significance (2). Last evaluated 2026-03-25.

Conditions:
Inborn genetic diseases. Identifiers: MedGen C0950123, MeSH D030342.
Monocytopenia with susceptibility to infections. Also called: IMMUNODEFICIENCY 21; MONOCYTOPENIA AND MYCOBACTERIAL INFECTION SYNDROME; MONOCYTOPENIA WITH SUSCEPTIBILITY TO MYCOBACTERIAL, FUNGAL, AND PAPILLOMAVIRUS INFECTIONS AND MYELODYSPLASIA; COMBINED IMMUNODEFICIENCY WITH SUSCEPTIBILITY TO MYCOBACTERIAL, VIRAL, AND FUNGAL INFECTIONS; GATA2 DEFICIENCY; Dendritic cell, monocyte, B lymphocyte, and natural killer lymphocyte deficiency. Identifiers: Orphanet 228423, MedGen C3280030, MONDO:0013607, OMIM 614172.
Deafness-lymphedema-leukemia syndrome. Also called: Lymphedema, primary, with myelodysplasia; Emberger syndrome. Identifiers: Orphanet 3226, MedGen C3279664, MONDO:0013540, OMIM 614038.

Submissions (2):

Ambry Genetics
Classification: Uncertain significance for Inborn genetic diseases. Last evaluated: 2026-03-25. Review status: criteria provided, single submitter. Criteria: Ambry Variant Classification Scheme 2023. Collection method: clinical testing. Allele origin: germline.
Comment: The p.G263A variant (also known as c.788G>C), located in coding exon 2 of the GATA2 gene, results from a G to C substitution at nucleotide position 788. The glycine at codon 263 is replaced by alanine, an amino acid with similar properties. This amino acid position is not well conserved in available vertebrate species. In addition, the in silico prediction for this alteration is inconclusive. Based on the available evidence, the clinical significance of this variant remains unclear.

Labcorp Genetics (formerly Invitae), Labcorp
Classification: Uncertain significance for Monocytopenia with susceptibility to infections; Deafness-lymphedema-leukemia syndrome. Last evaluated: 2019-12-06. Review status: criteria provided, single submitter. Criteria: Invitae Variant Classification Sherloc (09022015). Collection method: clinical testing. Allele origin: germline.
Comment: This variant has not been reported in the literature in individuals with GATA2-related conditions. Algorithms developed to predict the effect of missense changes on protein structure and function (SIFT, PolyPhen-2, Align-GVGD) all suggest that this variant is likely to be tolerated, but these predictions have not been confirmed by published functional studies and their clinical significance is uncertain. In summary, the available evidence is currently insufficient to determine the role of this variant in disease. Therefore, it has been classified as a Variant of Uncertain Significance. This sequence change replaces glycine with alanine at codon 263 of the GATA2 protein (p.Gly263Ala). The glycine residue is weakly conserved and there is a small physicochemical difference between glycine and alanine. This variant is not present in population databases (ExAC no frequency).